The following is an entry in ClinVar:

NM_001206927.2(DNAH8):c.13176C>A (p.Asn4392Lys)

Gene: DNAH8 (dynein axonemal heavy chain 8; plus strand). Cytogenetic location: 6p21.2.
Variant type: single nucleotide variant.
Coding change: c.13176C>A on transcript NM_001206927.2 (MANE Select); coding-DNA position 13176, C replaced by A.
Protein change: p.Asn4392Lys; replaces asparagine 4392 with lysine.
Molecular consequence: missense variant.
Genome position (GRCh38, 1-based): chr6:38,990,134, C>A. VCF-style: chr6-38990134-C-A. GRCh37 (hg19) VCF-style: chr6-38957910-C-A.
Other names: c.12525C>A, p.Asn4175Lys (NM_001371.4); c.13176C>A (NM_001206927.1); short protein forms N4175K, N4392K.
Identifiers: ClinVar variation 2200147 (VCV002200147.5), dbSNP rs2533955416, ClinGen allele CA364013840.

ClinVar aggregate classification (germline): Uncertain significance. Review status: criteria provided, multiple submitters, no conflicts (2 of 4 stars). 2 submissions from 2 submitters: Uncertain significance (2). Last evaluated 2025-08-12.

Conditions:
Primary ciliary dyskinesia. Also called: Ciliary dyskinesia. Identifiers: Orphanet 244, MedGen C0008780, MONDO:0016575, HP:0012265.

gnomAD v4.1: 5 of 1,612,074 alleles (0.00031%); highest among the groups gnomAD compares: South Asian, 0.0011%; no homozygotes.

Submissions (2):

Ambry Genetics
Classification: Uncertain significance. Last evaluated: 2025-08-12. Review status: criteria provided, single submitter. Criteria: Ambry Variant Classification Scheme 2023. Collection method: clinical testing. Allele origin: germline.

Labcorp Genetics (formerly Invitae), Labcorp
Classification: Uncertain significance for Primary ciliary dyskinesia. Last evaluated: 2022-01-13. Review status: criteria provided, single submitter. Criteria: Invitae Variant Classification Sherloc (09022015). Collection method: clinical testing. Allele origin: germline.
Comment: This variant is not present in population databases (gnomAD no frequency). This variant has not been reported in the literature in individuals affected with DNAH8-related conditions. Algorithms developed to predict the effect of missense changes on protein structure and function are either unavailable or do not agree on the potential impact of this missense change (SIFT: "Tolerated"; PolyPhen-2: "Not Available"; Align-GVGD: "Class C0"). This sequence change replaces asparagine, which is neutral and polar, with lysine, which is basic and polar, at codon 4392 of the DNAH8 protein (p.Asn4392Lys). In summary, the available evidence is currently insufficient to determine the role of this variant in disease. Therefore, it has been classified as a Variant of Uncertain Significance.